The following is an entry in ClinVar:

NM_001378615.1(CC2D2A):c.2273C>T (p.Pro758Leu)

Genes: CC2D2A (coiled-coil and C2 domain containing 2A; plus strand), FBXL5 (F-box and leucine rich repeat protein 5; minus strand). Cytogenetic location: 4p15.32.
Variant type: single nucleotide variant.
Coding change: c.2273C>T on transcript NM_001378615.1 (MANE Select); coding-DNA position 2273, C replaced by T.
Protein change: p.Pro758Leu; replaces proline 758 with leucine.
Molecular consequence: missense variant.
Genome position (GRCh38, 1-based): chr4:15,550,915, C>T. VCF-style: chr4-15550915-C-T. GRCh37 (hg19) VCF-style: chr4-15552538-C-T.
Other names: c.2273C>T, p.Pro758Leu (NM_001080522.2); c.2126C>T, p.Pro709Leu (NM_001378617.1); short protein forms P709L, P758L.
Identifiers: ClinVar variation 4998914 (VCV004998914.1).

ClinVar aggregate classification (germline): Uncertain significance (1 of 4 stars; one submission).

Conditions:
CC2D2A-related disorder. Also called: CC2D2A-related condition; CC2D2A-related disorders. Identifiers: MedGen CN239313.

Submission:

PreventionGenetics, part of Exact Sciences
Classification: Uncertain significance for CC2D2A-related condition. Last evaluated: 2025-04-07. Review status: criteria provided, single submitter. Criteria: ACMG Guidelines, 2015. Collection method: clinical testing. Allele origin: germline.
Comment: The CC2D2A c.2273C>T variant is predicted to result in the amino acid substitution p.Pro758Leu. To our knowledge, this variant has not been reported in the literature or in a large population database (gnomAD), indicating this variant is rare. At this time, the clinical significance of this variant is uncertain due to the absence of conclusive functional and genetic evidence.